The following is an entry in ClinVar:

ClinVar aggregate classification (germline): Pathogenic/Likely pathogenic. Review status: criteria provided, multiple submitters, no conflicts (2 of 4 stars). 3 submissions from 3 submitters: Pathogenic (2); Likely pathogenic (1). Last evaluated 2026-03-12.

Conditions:
Primary ciliary dyskinesia. Also called: Ciliary dyskinesia. Identifiers: Orphanet 244, MedGen C0008780, MONDO:0016575, HP:0012265.
Kartagener syndrome (CILD1). Also called: CILIARY DYSKINESIA, PRIMARY, 1; CILIARY DYSKINESIA, PRIMARY, 1, WITH OR WITHOUT SITUS INVERSUS; IMMOTILE CILIA SYNDROME; POLYNESIAN BRONCHIECTASIS; Dextrocardia bronchiectasis and sinusitis; SIEWERT SYNDROME. Identifiers: Orphanet 244, MedGen C4551906, MONDO:0009484, OMIM 244400.

Submissions (3):

Myriad Genetics, Inc.
Classification: Pathogenic for Kartagener syndrome. Last evaluated: 2026-03-12. Review status: criteria provided, single submitter. Criteria: Myriad Autosomal Dominant, Autosomal Recessive and X-Linked Classification Criteria (2023). Collection method: clinical testing. Allele origin: unknown.
Comment: NM_012144.2(DNAI1):c.1019G>A(W340*) is expected to be pathogenic in the context of primary ciliary dyskinesia, DNAI1-related. This variant is predicted to lead to an abnormal or absent protein product due to the creation of a premature termination codon in DNAI1, a gene where loss-of-function variants are known to be pathogenic. Please note: this variant was assessed in the context of healthy population screening.

ARUP Laboratories, Molecular Genetics and Genomics, ARUP Laboratories
Classification: Likely pathogenic for Kartagener syndrome. Last evaluated: 2023-08-30. Review status: criteria provided, single submitter. Criteria: ARUP Molecular Germline Variant Investigation Process 2024. Collection method: clinical testing. Allele origin: germline.
Comment: The DNAI1 c.1019G>A; p.Trp340Ter variant, to our knowledge, is not reported in the medical literature but is reported in ClinVar (Variation ID: 1903913). This variant is also absent from the Genome Aggregation Database, indicating it is not a common polymorphism. Additionally, several downstream truncating variants have been described in individuals with primary ciliary dyskinesia (Zariwala 2006). Computational analyses (Alamut Visual Plus v.1.5.1) predict that the p.Trp340Ter variant may impact splicing by weakening the nearby canonical donor splice site. This variant induces an early termination codon and is predicted to result in a truncated protein or mRNA subject to nonsense-mediated decay. Based on available information, this variant is considered to be likely pathogenic. References: Zariwala MA et al. Mutations of DNAI1 in primary ciliary dyskinesia: evidence of founder effect in a common mutation. Am J Respir Crit Care Med. 2006 Oct 15;174(8):858-66. PMID: 16858015.

Labcorp Genetics (formerly Invitae), Labcorp
Classification: Pathogenic for Primary ciliary dyskinesia. Last evaluated: 2021-12-24. Review status: criteria provided, single submitter. Criteria: Invitae Variant Classification Sherloc (09022015). Collection method: clinical testing. Allele origin: germline.
Comment: For these reasons, this variant has been classified as Pathogenic. Algorithms developed to predict the effect of sequence changes on RNA splicing suggest that this variant may disrupt the consensus splice site. This variant has not been reported in the literature in individuals affected with DNAI1-related conditions. This variant is not present in population databases (gnomAD no frequency). This sequence change creates a premature translational stop signal (p.Trp340*) in the DNAI1 gene. It is expected to result in an absent or disrupted protein product. Loss-of-function variants in DNAI1 are known to be pathogenic (PMID: 16858015, 29363216).

Literature cited by the submitters: PubMed 16858015 (cited by Labcorp Genetics (formerly Invitae), Labcorp); PubMed 29363216 (cited by Labcorp Genetics (formerly Invitae), Labcorp).

NM_012144.4(DNAI1):c.1019G>A (p.Trp340Ter)

Gene: DNAI1 (dynein axonemal intermediate chain 1; plus strand). Cytogenetic location: 9p13.3.
Variant type: single nucleotide variant.
Coding change: c.1019G>A on transcript NM_012144.4 (MANE Select); coding-DNA position 1019, G replaced by A.
Protein change: p.Trp340Ter; replaces tryptophan 340 with a stop codon.
Molecular consequence: nonsense.
Genome position (GRCh38, 1-based): chr9:34,500,839, G>A. VCF-style: chr9-34500839-G-A. GRCh37 (hg19) VCF-style: chr9-34500837-G-A.
Other names: c.1031G>A, p.Trp344Ter (NM_001281428.2); short protein forms W340*, W344*.
Identifiers: ClinVar variation 1903913 (VCV001903913.7), dbSNP rs2132072131, ClinGen allele CA373253445.